The following is an entry in ClinVar:

ClinVar aggregate classification (germline): Uncertain significance (1 of 4 stars; one submission).

Conditions:
Marfan syndrome (MFS). Also called: FBN1-Related Marfan Syndrome; MARFAN SYNDROME, TYPE I; Marfan syndrome type 1; Marfan's syndrome; Marfan syndrome, classic. Identifiers: Orphanet 284963, Orphanet 558, MedGen C0024796, MONDO:0007947, OMIM 154700.
Familial thoracic aortic aneurysm and aortic dissection (TAAD). Also called: Thoracic aortic aneurysms and dissections. Identifiers: Orphanet 91387, MedGen C4707243, MONDO:0019625.

gnomAD v4.1: 1 of 1,614,100 alleles (0.000062%); highest among the groups gnomAD compares: Non-Finnish European, 0.000085%; no homozygotes.

Submission:

Labcorp Genetics (formerly Invitae), Labcorp
Classification: Uncertain significance for Marfan syndrome; Familial thoracic aortic aneurysm and aortic dissection. Last evaluated: 2025-08-24. Review status: criteria provided, single submitter. Criteria: Invitae Variant Classification Sherloc (09022015). Collection method: clinical testing. Allele origin: germline.
Comment: This sequence change replaces threonine, which is neutral and polar, with isoleucine, which is neutral and non-polar, at codon 888 of the FBN1 protein (p.Thr888Ile). This variant is not present in population databases (gnomAD no frequency). This variant has not been reported in the literature in individuals affected with FBN1-related conditions. Invitae Evidence Modeling of protein sequence and biophysical properties (such as structural, functional, and spatial information, amino acid conservation, physicochemical variation, residue mobility, and thermodynamic stability) indicates that this missense variant is not expected to disrupt FBN1 protein function with a negative predictive value of 95%. In summary, the available evidence is currently insufficient to determine the role of this variant in disease. Therefore, it has been classified as a Variant of Uncertain Significance.

NM_000138.5(FBN1):c.2663C>T (p.Thr888Ile)

Gene: FBN1 (fibrillin 1; minus strand). Cytogenetic location: 15q21.1.
Variant type: single nucleotide variant.
Coding change: c.2663C>T on transcript NM_000138.5 (MANE Select); coding-DNA position 2663, C replaced by T.
Protein change: p.Thr888Ile; replaces threonine 888 with isoleucine.
Molecular consequence: missense variant.
Genome position (GRCh38, 1-based): chr15:48,495,137, G>A on the plus strand (C>T on the coding strand, the complement: FBN1 is on the minus strand). VCF-style: chr15-48495137-G-A. GRCh37 (hg19) VCF-style: chr15-48787334-G-A.
Other names: c.2663C>T, p.Thr888Ile (NM_001406716.1); short protein forms T888I.
Identifiers: ClinVar variation 4789662 (VCV004789662.1).